The following is an entry in ClinVar:

ClinVar aggregate classification (germline): Uncertain significance (1 of 4 stars; one submission).

Allele frequency attached by ClinVar (database versions not stated): gnomAD exomes below 0.00001; gnomAD 0.00001.
gnomAD v4.1: 3 of 1,614,042 alleles (0.00019%); highest among the groups gnomAD compares: East Asian, 0.0022%; no homozygotes.

Submission:

Labcorp Genetics (formerly Invitae), Labcorp
Classification: Uncertain significance. Last evaluated: 2022-02-27. Review status: criteria provided, single submitter. Criteria: Invitae Variant Classification Sherloc (09022015). Collection method: clinical testing. Allele origin: germline.
Comment: Algorithms developed to predict the effect of missense changes on protein structure and function (SIFT, PolyPhen-2, Align-GVGD) all suggest that this variant is likely to be tolerated. In summary, the available evidence is currently insufficient to determine the role of this variant in disease. Therefore, it has been classified as a Variant of Uncertain Significance. This variant has not been reported in the literature in individuals affected with AKR1D1-related conditions. This variant is not present in population databases (gnomAD no frequency). This sequence change replaces lysine, which is basic and polar, with glutamic acid, which is acidic and polar, at codon 34 of the AKR1D1 protein (p.Lys34Glu).

NM_005989.4(AKR1D1):c.100A>G (p.Lys34Glu)

Gene: AKR1D1 (aldo-keto reductase family 1 member D1; plus strand). Cytogenetic location: 7q33.
Variant type: single nucleotide variant.
Coding change: c.100A>G on transcript NM_005989.4 (MANE Select); coding-DNA position 100, A replaced by G.
Protein change: p.Lys34Glu; replaces lysine 34 with glutamic acid.
Molecular consequence: missense variant.
Genome position (GRCh38, 1-based): chr7:138,088,607, A>G. VCF-style: chr7-138088607-A-G. GRCh37 (hg19) VCF-style: chr7-137773353-A-G.
Other names: c.100A>G, p.Lys34Glu (NM_001190906.2, NM_001190907.2); short protein forms K34E.
Identifiers: ClinVar variation 2103921 (VCV002103921.4), dbSNP rs1562931657, ClinGen allele CA369356681.
Genomic context (GRCh38, chr7:138,088,607, plus strand): 5'-TTAAAGGAAAGACCATTTCTCTTTTCCCCAAACCCAACCTCTTTGTCACTTCAGACCCCT[A>G]AGGGAGCCTGTGCAACATCGGTGAAGGTTGCTATTGACACAGGGTACCGACATATTGATG-3'
Protein context (NP_005980.1, residues 24-44): GTYSEPKSTP[Lys34Glu]GACATSVKVA